The following is an entry in ClinVar:

ClinVar aggregate classification (germline): Uncertain significance. Review status: criteria provided, multiple submitters, no conflicts (2 of 4 stars). 2 submissions from 2 submitters: Uncertain significance (2). Last evaluated 2022-03-01.

Conditions:
Inborn genetic diseases. Identifiers: MedGen C0950123, MeSH D030342.
Charcot-Marie-Tooth disease type 4. Also called: Charcot-Marie-Tooth, Type 4; Charcot-Marie-Tooth disease, type IV. Identifiers: Orphanet 64749, MedGen C4082197, MONDO:0018995.

Allele frequency attached by ClinVar (database versions not stated): gnomAD exomes below 0.00001; TOPMed 0.00002.
gnomAD v4.1: 1 of 1,613,798 alleles (0.000062%); highest among the groups gnomAD compares: Non-Finnish European, 0.000085%; no homozygotes.

Submissions (2):

Ambry Genetics
Classification: Uncertain significance for Inborn genetic diseases. Last evaluated: 2022-03-01. Review status: criteria provided, single submitter. Criteria: Ambry Variant Classification Scheme 2023. Collection method: clinical testing. Allele origin: germline.
Comment: The p.R1004C variant (also known as c.3010C>T), located in coding exon 24 of the SBF2 gene, results from a C to T substitution at nucleotide position 3010. The arginine at codon 1004 is replaced by cysteine, an amino acid with highly dissimilar properties. This amino acid position is conserved. In addition, this alteration is predicted to be deleterious by in silico analysis. Since supporting evidence is limited at this time, the clinical significance of this alteration remains unclear.

Labcorp Genetics (formerly Invitae), Labcorp
Classification: Uncertain significance for Charcot-Marie-Tooth disease type 4. Last evaluated: 2020-12-24. Review status: criteria provided, single submitter. Criteria: Invitae Variant Classification Sherloc (09022015). Collection method: clinical testing. Allele origin: germline.
Comment: In summary, the available evidence is currently insufficient to determine the role of this variant in disease. Therefore, it has been classified as a Variant of Uncertain Significance. Algorithms developed to predict the effect of missense changes on protein structure and function are either unavailable or do not agree on the potential impact of this missense change (SIFT: "Deleterious"; PolyPhen-2: "Probably Damaging"; Align-GVGD: "Class C0"). This variant has not been reported in the literature in individuals with SBF2-related conditions. This variant is not present in population databases (ExAC no frequency). This sequence change replaces arginine with cysteine at codon 1004 of the SBF2 protein (p.Arg1004Cys). The arginine residue is highly conserved and there is a large physicochemical difference between arginine and cysteine.

NM_030962.4(SBF2):c.3010C>T (p.Arg1004Cys)

Genes: SBF2 (SET binding factor 2; minus strand), LOC101928008 (uncharacterized LOC101928008; plus strand). Cytogenetic location: 11p15.4.
Variant type: single nucleotide variant.
Coding change: c.3010C>T on transcript NM_030962.4 (MANE Select); coding-DNA position 3010, C replaced by T.
Protein change: p.Arg1004Cys; replaces arginine 1004 with cysteine.
Molecular consequence: missense variant.
Genome position (GRCh38, 1-based): chr11:9,845,665, G>A on the plus strand (C>T on the coding strand, the complement: SBF2 is on the minus strand). VCF-style: chr11-9845665-G-A. GRCh37 (hg19) VCF-style: chr11-9867212-G-A.
Other names: c.3010C>T, p.Arg1004Cys (NM_001386339.1); c.2881C>T, p.Arg961Cys (NM_001386342.1); short protein forms R961C, R1004C.
Identifiers: ClinVar variation 1515828 (VCV001515828.10), dbSNP rs1008990516, ClinGen allele CA217618543.